The following is an entry in ClinVar:

ClinVar aggregate classification (germline): Benign/Likely benign. Review status: criteria provided, multiple submitters, no conflicts (2 of 4 stars). 5 submissions from 5 submitters: Benign (3); Likely benign (1). 1 of the submissions does not count toward it. Last evaluated 2025-11-25.

Conditions:
ACE-related disorder. Also called: ACE-related condition; ACE-related disorders.
Renal tubular dysgenesis. Also called: Renotubular dysgenesis. Identifiers: Orphanet 3033, MedGen C0266313, MONDO:0017609, HP:0008660.

Allele frequency attached by ClinVar (database versions not stated): ESP Exome Variant Server 0.00008; gnomAD 0.00056 and 0.00074; TOPMed 0.00100; gnomAD exomes 0.00152; ExAC 0.00158; 1000 Genomes Project 30x 0.00328; 1000 Genomes Project 0.00339.
gnomAD v4.1: 783 of 1,612,986 alleles (0.049%); highest among the groups gnomAD compares: East Asian, 1.5%; 5 homozygotes.

Submissions (6):

Labcorp Genetics (formerly Invitae), Labcorp
Classification: Benign. Last evaluated: 2025-11-25. Review status: criteria provided, single submitter. Criteria: Invitae Variant Classification Sherloc (09022015). Collection method: clinical testing. Allele origin: germline.

Blueprint Genetics
Classification: Likely benign. Last evaluated: 2024-09-18. Review status: criteria provided, single submitter. Criteria: ACMG Guidelines, 2015. Collection method: clinical testing. Allele origin: germline.

Illumina Laboratory Services, Illumina
Classification: Benign for Renal tubular dysgenesis of genetic origin. Last evaluated: 2018-01-13. Review status: criteria provided, single submitter. Criteria: ICSL Variant Classification Criteria 13 December 2019. Collection method: clinical testing. Allele origin: germline.
Comment: This variant was observed in the ICSL laboratory as part of a predisposition screen in an ostensibly healthy population. It had not been previously curated by ICSL or reported in the Human Gene Mutation Database (HGMD: prior to June 1st, 2018), and was therefore a candidate for classification through an automated scoring system. Utilizing variant allele frequency, disease prevalence and penetrance estimates, and inheritance mode, an automated score was calculated to assess if this variant is too frequent to cause the disease. Based on the score and internal cut-off values, a variant classified as benign is not then subjected to further curation. The score for this variant resulted in a classification of benign for this disease.

Breakthrough Genomics
Classification: Benign. Review status: criteria provided, single submitter. Criteria: ACMG Guidelines, 2015. Collection method: not provided. Allele origin: germline. Inheritance: Autosomal recessive inheritance. Affected: yes.

PreventionGenetics, part of Exact Sciences
Classification: Benign for ACE-related condition. Last evaluated: 2019-04-01. Review status: no assertion criteria provided. Collection method: clinical testing. Allele origin: germline. Not counted in ClinVar's aggregate classification.
Comment: This variant is classified as benign based on ACMG/AMP sequence variant interpretation guidelines (Richards et al. 2015 PMID: 25741868, with internal and published modifications).

Dr. Peter K. Rogan Lab, Western University
No classification provided (evidence only). Condition: Malignant tumor of urinary bladder. Review status: no classification provided. Collection method: in vitro. Allele origin: not applicable. Functional consequence: retained intron. Not counted in ClinVar's aggregate classification.

NM_000789.4(ACE):c.479A>G (p.Asn160Ser)

Gene: ACE (angiotensin I converting enzyme; plus strand). Cytogenetic location: 17q23.3.
Variant type: single nucleotide variant.
Coding change: c.479A>G on transcript NM_000789.4 (MANE Select); coding-DNA position 479, A replaced by G.
Protein change: p.Asn160Ser; replaces asparagine 160 with serine.
Molecular consequence: missense variant.
Genome position (GRCh38, 1-based): chr17:63,479,068, A>G. VCF-style: chr17-63479068-A-G. GRCh37 (hg19) VCF-style: chr17-61556429-A-G.
Other names: short protein forms N160S.
Identifiers: ClinVar variation 888748 (VCV000888748.14), dbSNP rs117134739, ClinGen allele CA8699088.